The following is an entry in ClinVar:

NM_001257096.2(PAX1):c.555G>A (p.Lys185=)

Gene: PAX1 (paired box 1; plus strand). Cytogenetic location: 20p11.22.
Variant type: single nucleotide variant.
Coding change: c.555G>A on transcript NM_001257096.2 (MANE Select); coding-DNA position 555, G replaced by A.
Protein change: p.Lys185=; no amino-acid change (lysine 185 retained).
Molecular consequence: synonymous variant.
Genome position (GRCh38, 1-based): chr20:21,706,706, G>A. VCF-style: chr20-21706706-G-A. GRCh37 (hg19) VCF-style: chr20-21687344-G-A.
Other names: p.Lys185=; c.555G>A, p.Lys185= (NM_006192.5).
Identifiers: ClinVar variation 1168083 (VCV001168083.17), dbSNP rs17861031, ClinGen allele CA9786516.

ClinVar aggregate classification (germline): Benign. Review status: criteria provided, multiple submitters, no conflicts (2 of 4 stars). 6 submissions from 6 submitters: Benign (5). 1 of the submissions does not count toward it. Last evaluated 2026-02-02.

Conditions:
PAX1-related disorder. Also called: PAX1-related condition.

Allele frequency attached by ClinVar (database versions not stated): gnomAD exomes 0.01996 and 0.02942; gnomAD 0.05589 and 0.05741; 1000 Genomes Project 0.07129; ESP Exome Variant Server 0.05597; TOPMed 0.06148; 1000 Genomes Project 30x 0.07167; ExAC 0.03311.
gnomAD v4.1: 37,876 of 1,613,484 alleles (2.3%); highest among the groups gnomAD compares: African/African-American, 15%; 1,507 homozygotes.

Submissions (6):

Labcorp Genetics (formerly Invitae), Labcorp
Classification: Benign. Last evaluated: 2026-02-02. Review status: criteria provided, single submitter. Criteria: Invitae Variant Classification Sherloc (09022015). Collection method: clinical testing. Allele origin: germline.

Women's Health and Genetics/Laboratory Corporation of America, LabCorp
Classification: Benign. Last evaluated: 2026-01-21. Review status: criteria provided, single submitter. Criteria: LabCorp Variant Classification Summary - May 2015. Collection method: clinical testing. Allele origin: germline.

Mayo Clinic Laboratories, Mayo Clinic
Classification: Benign. Last evaluated: 2024-04-02. Review status: criteria provided, single submitter. Criteria: ACMG Guidelines, 2015. Collection method: clinical testing. Allele origin: germline. Observed: 6 variant alleles.
Comment: BA1, BS2, BP4, BP7

GeneDx
Classification: Benign. Last evaluated: 2020-01-23. Review status: criteria provided, single submitter. Criteria: GeneDx Variant Classification Process June 2021. Collection method: clinical testing. Allele origin: germline. Affected: yes.
Comment: This variant is associated with the following publications: (PMID: 30572100)

Breakthrough Genomics
Classification: Benign. Review status: criteria provided, single submitter. Criteria: ACMG Guidelines, 2015. Collection method: not provided. Allele origin: germline. Inheritance: Autosomal recessive inheritance. Affected: yes.

PreventionGenetics, part of Exact Sciences
Classification: Benign for PAX1-related condition. Last evaluated: 2019-11-06. Review status: no assertion criteria provided. Collection method: clinical testing. Allele origin: germline. Not counted in ClinVar's aggregate classification.
Comment: This variant is classified as benign based on ACMG/AMP sequence variant interpretation guidelines (Richards et al. 2015 PMID: 25741868, with internal and published modifications).